The following is an entry in ClinVar:

ClinVar aggregate classification (germline): Uncertain significance (1 of 4 stars; one submission).

Conditions:
Neuropathy, hereditary sensory and autonomic, type 1C. Also called: HSAN IC; HSN IC. Identifiers: Orphanet 36386, MedGen C3150896, MONDO:0013337, OMIM 613640.

Submission:

Labcorp Genetics (formerly Invitae), Labcorp
Classification: Uncertain significance for Neuropathy, hereditary sensory and autonomic, type 1C. Last evaluated: 2023-07-19. Review status: criteria provided, single submitter. Criteria: Invitae Variant Classification Sherloc (09022015). Collection method: clinical testing. Allele origin: germline.
Comment: In summary, the available evidence is currently insufficient to determine the role of this variant in disease. Therefore, it has been classified as a Variant of Uncertain Significance. Advanced modeling of protein sequence and biophysical properties (such as structural, functional, and spatial information, amino acid conservation, physicochemical variation, residue mobility, and thermodynamic stability) performed at Invitae indicates that this missense variant is not expected to disrupt SPTLC2 protein function. This sequence change replaces alanine, which is neutral and non-polar, with glycine, which is neutral and non-polar, at codon 231 of the SPTLC2 protein (p.Ala231Gly). This variant is not present in population databases (gnomAD no frequency). This missense change has been observed in individual(s) with amyotrophic lateral sclerosis (PMID: 36966328). ClinVar contains an entry for this variant (Variation ID: 1414895).

Literature cited by the submitters: PubMed 36966328.

NM_004863.4(SPTLC2):c.692C>G (p.Ala231Gly)

Gene: SPTLC2 (serine palmitoyltransferase long chain base subunit 2; minus strand). Cytogenetic location: 14q24.3.
Variant type: single nucleotide variant.
Coding change: c.692C>G on transcript NM_004863.4 (MANE Select); coding-DNA position 692, C replaced by G.
Protein change: p.Ala231Gly; replaces alanine 231 with glycine.
Molecular consequence: missense variant.
Genome position (GRCh38, 1-based): chr14:77,570,448, G>C on the plus strand (C>G on the coding strand, the complement: SPTLC2 is on the minus strand). VCF-style: chr14-77570448-G-C. GRCh37 (hg19) VCF-style: chr14-78036791-G-C.
Other names: short protein forms A231G.
Identifiers: ClinVar variation 1414895 (VCV001414895.8), dbSNP rs2140034161, ClinGen allele CA390712817.